The following is an entry in ClinVar:

NM_001165963.4(SCN1A):c.1566dup (p.Ser523fs)

Gene: SCN1A (sodium voltage-gated channel alpha subunit 1; minus strand). Cytogenetic location: 2q24.3.
Variant type: Duplication.
Coding change: c.1566dup on transcript NM_001165963.4 (MANE Select); coding-DNA position 1566, one base duplicated (A; older notation c.1566dupA).
Protein change: p.Ser523fs; shifts the reading frame from serine 523.
Molecular consequence: frameshift variant. On other transcripts: 5 prime UTR variant (1), non-coding transcript variant (1).
Genome position (GRCh38, 1-based): chr2:166,045,139, T duplicated on the plus strand (A on the coding strand, the reverse complement: SCN1A is on the minus strand); the first of 5 consecutive T bases (chr2:166,045,139-166,045,143); duplicating any one gives the same sequence. VCF-style (leftmost placement, unchanged base first): chr2-166045138-A-AT. GRCh37 (hg19) VCF-style: chr2-166901648-A-AT.
Other names: c.1566dup, p.Ser523fs (NM_001165964.3, NM_001202435.3, NM_001353948.2 and 7 more transcripts); c.1563dup, p.Ser522fs (NM_001353954.2, NM_001353955.2, NM_001353960.2); c.-860dup (NM_001353961.2); short protein forms S523fs, S522fs.
Identifiers: ClinVar variation 644741 (VCV000644741.2), dbSNP rs1574223964, ClinGen allele CA915942899.

ClinVar aggregate classification (germline): Pathogenic (1 of 4 stars; one submission).

Conditions:
Developmental and epileptic encephalopathy. Identifiers: MedGen C5779964, MONDO:0100620.

Submission:

Labcorp Genetics (formerly Invitae), Labcorp
Classification: Pathogenic for Early infantile epileptic encephalopathy with suppression bursts. Last evaluated: 2018-08-10. Review status: criteria provided, single submitter. Criteria: Invitae Variant Classification Sherloc (09022015). Collection method: clinical testing. Allele origin: germline.
Comment: This sequence change creates a premature translational stop signal (p.Ser523Ilefs*2) in the SCN1A gene. It is expected to result in an absent or disrupted protein product. This variant is not present in population databases (ExAC no frequency). This variant has not been reported in the literature in individuals with SCN1A-related disease. Loss-of-function variants in SCN1A are known to be pathogenic (PMID: 17347258, 18930999). For these reasons, this variant has been classified as Pathogenic.